The following is an entry in ClinVar:

ClinVar aggregate classification (germline): Uncertain significance (1 of 4 stars; one submission).

Submission:

Labcorp Genetics (formerly Invitae), Labcorp
Classification: Uncertain significance. Last evaluated: 2023-02-06. Review status: criteria provided, single submitter. Criteria: Invitae Variant Classification Sherloc (09022015). Collection method: clinical testing. Allele origin: germline.
Comment: In summary, the available evidence is currently insufficient to determine the role of this variant in disease. Therefore, it has been classified as a Variant of Uncertain Significance. Advanced modeling of protein sequence and biophysical properties (such as structural, functional, and spatial information, amino acid conservation, physicochemical variation, residue mobility, and thermodynamic stability) performed at Invitae indicates that this missense variant is expected to disrupt ALPK3 protein function. This variant has not been reported in the literature in individuals affected with ALPK3-related conditions. This variant is present in population databases (no rsID available, gnomAD 0.006%). This sequence change replaces glycine, which is neutral and non-polar, with arginine, which is basic and polar, at codon 1615 of the ALPK3 protein (p.Gly1615Arg).

NM_020778.5(ALPK3):c.4237G>C (p.Gly1413Arg)

Gene: ALPK3 (alpha kinase 3; plus strand). Cytogenetic location: 15q25.3.
Variant type: single nucleotide variant.
Coding change: c.4237G>C on transcript NM_020778.5 (MANE Select); coding-DNA position 4237, G replaced by C.
Protein change: p.Gly1413Arg; replaces glycine 1413 with arginine.
Molecular consequence: missense variant.
Genome position (GRCh38, 1-based): chr15:84,862,742, G>C. VCF-style: chr15-84862742-G-C. GRCh37 (hg19) VCF-style: chr15-85405973-G-C.
Other names: short protein forms G1413R.
Identifiers: ClinVar variation 3010647 (VCV003010647.3), dbSNP rs775358435, ClinGen allele CA393362855.